The following is an entry in ClinVar:

NM_001099857.5(IKBKG):c.589G>A (p.Val197Met)

Gene: IKBKG (inhibitor of nuclear factor kappa B kinase regulatory subunit gamma; plus strand). Cytogenetic location: Xq28.
Variant type: single nucleotide variant.
Coding change: c.589G>A on transcript NM_001099857.5 (MANE Select); coding-DNA position 589, G replaced by A.
Protein change: p.Val197Met; replaces valine 197 with methionine.
Molecular consequence: missense variant. On other transcripts: intron variant (3).
Genome position (GRCh38, 1-based): chrX:154,560,477, G>A. VCF-style: chrX-154560477-G-A. GRCh37 (hg19) VCF-style: chrX-153788692-G-A.
Other names: c.793G>A, p.Val265Met (NM_001099856.6); c.589G>A, p.Val197Met (NM_001321396.3, NM_001377312.1, NM_003639.4); c.586G>A, p.Val196Met (NM_001321397.3, NM_001377313.1); c.519-1211G>A (NM_001145255.4); c.516-1211G>A (NM_001377314.1); c.400-2333G>A (NM_001377315.1); short protein forms V196M, V197M, V265M.
Identifiers: ClinVar variation 1712019 (VCV001712019.2), dbSNP rs1401035277, ClinGen allele CA415214727.

ClinVar aggregate classification (germline): Uncertain significance (1 of 4 stars; one submission).

Submission:

GeneDx
Classification: Uncertain significance. Last evaluated: 2022-04-20. Review status: criteria provided, single submitter. Criteria: GeneDx Variant Classification Process June 2021. Collection method: clinical testing. Allele origin: germline. Affected: yes.
Comment: In silico analysis supports that this missense variant does not alter protein structure/function; Has not been previously published as pathogenic or benign to our knowledge; No data available from control populations to assess the frequency of this variant